The following is an entry in ClinVar:

ClinVar aggregate classification (germline): Uncertain significance (0 of 4 stars; one submission).

Conditions:
Alzheimer disease 3 (AD3). Also called: ALZHEIMER DISEASE, FAMILIAL, 3. Identifiers: Orphanet 1020, MedGen C1843013, MONDO:0011913, OMIM 607822.

Submission:

Medical Genetics Unit, Mauro Baschirotto Institute for Rare Disease
Classification: Uncertain significance for Alzheimer disease 3. Last evaluated: 2026-04-20. Review status: no assertion criteria provided. Collection method: clinical testing. Allele origin: germline. Affected: yes. Observed: 1 variant allele.
Comment: This variant was interpreted by the AD-FTD Italian Consortium, including the following participating institutions: Mauro Baschirotto Institute for Rare Disease, Medical Genetics Unit (Dr Paola de Gemmis, Dr Daniela Segat, Dr Chiara Stefani); Neurology Unit, Department of Biomedicine, Neurosciences and Advanced Diagnostics, University of Palermo, Italy (Dr Tommaso Piccoli); Neurology Unit, Santa Maria della Misericordia Hospital, Perugia, Italy (Dr Lorenzo Gaetani). The participating laboratories jointly contributed to patient recruitment, clinical data collection, and variant interpretation and classification.The variant c.1258C>G results in the amino acid substitution of a leucine residue with a valine at codon at position 420 (p.Leu420Val) in the PSEN1 protein. This missense variant involves a change from a cytosine (C) to a guanine (G) at the nucleotide position 1258. As far as we know, this variant has not been reported in the literature or in a large population database, indicating this variant is rare. This is a missense change between two apolar residues. This non-truncating non-synonymous variant is located in a mutational hot spot (15 pathogenic or likely pathogenic reported variants were found in a 156bp region surrounding this variant in exon 12 within the region 73219133-73219289 without any missense benign variants). This supports a pathogenic role for this variant. In PSEN1 there is a high number of missense pathogenic variants and there are three times more pathogenic variants than benign variant for curated missense variants in PSEN1.

NM_000021.4(PSEN1):c.1258C>G (p.Leu420Val)

Gene: PSEN1 (presenilin 1; plus strand). Cytogenetic location: 14q24.2.
Variant type: single nucleotide variant.
Coding change: c.1258C>G on transcript NM_000021.4 (MANE Select); coding-DNA position 1258, C replaced by G.
Protein change: p.Leu420Val; replaces leucine 420 with valine.
Molecular consequence: missense variant.
Genome position (GRCh38, 1-based): chr14:73,219,143, C>G. VCF-style: chr14-73219143-C-G. GRCh37 (hg19) VCF-style: chr14-73685851-C-G.
Other names: c.1246C>G, p.Leu416Val (NM_007318.3); short protein forms L416V, L420V.
Identifiers: ClinVar variation 4849953 (VCV004849953.1).